The following is an entry in ClinVar:

NM_001903.5(CTNNA1):c.1297-5T>G

Gene: CTNNA1 (catenin alpha 1; plus strand). Cytogenetic location: 5q31.2.
Variant type: single nucleotide variant.
Coding change: c.1297-5T>G on transcript NM_001903.5 (MANE Select); 5 bases into the intron before coding-DNA position 1297, T replaced by G.
Molecular consequence: intron variant.
Genome position (GRCh38, 1-based): chr5:138,904,344, T>G. VCF-style: chr5-138904344-T-G. GRCh37 (hg19) VCF-style: chr5-138240033-T-G.
Other names: c.1297-5T>G (NM_001323982.2, NM_001323984.2, NM_001290307.3 and 3 more transcripts); c.1297-13398T>G (NM_001323986.2); c.928-5T>G (NM_001290310.3); c.988-5T>G (NM_001290309.3); c.187-5T>G (NM_001323996.1, NM_001323993.1, NM_001324005.1 and 17 more transcripts); c.-211-5T>G (NM_001324007.1, NM_001324009.1, NM_001324006.1 and 1 more transcripts); c.-57-5T>G (NM_001324013.1, NM_001324012.1); c.187-13398T>G (NM_001324011.1); and 1 more.
Identifiers: ClinVar variation 1424208 (VCV001424208.9), dbSNP rs2150140026, ClinGen allele CA2573139127.

ClinVar aggregate classification (germline): Conflicting classifications of pathogenicity. Review status: criteria provided, conflicting classifications (1 of 4 stars). 2 submissions from 2 submitters: Uncertain significance (1); Likely benign (1). Last evaluated 2026-09-08.

Conditions:
Hereditary cancer-predisposing syndrome. Also called: Hereditary Cancer Syndrome; Neoplastic Syndromes, Hereditary; Hereditary neoplastic syndrome; Tumor predisposition. Identifiers: Orphanet 140162, MedGen C0027672, MeSH D009386, MONDO:0015356.

Submissions (2):

Ambry Genetics
Classification: Uncertain significance for Hereditary cancer-predisposing syndrome. Last evaluated: 2026-09-08. Review status: criteria provided, single submitter. Criteria: Ambry Variant Classification Scheme 2023. Collection method: clinical testing. Allele origin: germline.
Comment: The c.1297-5T>G intronic variant results from a T to G substitution 5 nucleotides upstream from coding exon 9 in the CTNNA1 gene. This nucleotide position is well conserved in available vertebrate species. In silico splice site analysis predicts that this alteration will not have any significant effect on splicing. Based on the available evidence, the clinical significance of this variant remains unclear.

Labcorp Genetics (formerly Invitae), Labcorp
Classification: Likely benign. Last evaluated: 2025-02-19. Review status: criteria provided, single submitter. Criteria: Invitae Variant Classification Sherloc (09022015). Collection method: clinical testing. Allele origin: germline.